The following is an entry in ClinVar:

ClinVar aggregate classification (germline): Uncertain significance (1 of 4 stars; one submission).

Submission:

Labcorp Genetics (formerly Invitae), Labcorp
Classification: Uncertain significance. Last evaluated: 2024-11-07. Review status: criteria provided, single submitter. Criteria: Invitae Variant Classification Sherloc (09022015). Collection method: clinical testing. Allele origin: germline.
Comment: This sequence change replaces proline, which is neutral and non-polar, with leucine, which is neutral and non-polar, at codon 968 of the COL17A1 protein (p.Pro968Leu). This variant is present in population databases (no rsID available, gnomAD 0.007%). This variant has not been reported in the literature in individuals affected with COL17A1-related conditions. ClinVar contains an entry for this variant (Variation ID: 1902438). An algorithm developed to predict the effect of missense changes on protein structure and function (PolyPhen-2) suggests that this variant is likely to be disruptive. In summary, the available evidence is currently insufficient to determine the role of this variant in disease. Therefore, it has been classified as a Variant of Uncertain Significance.

NM_000494.4(COL17A1):c.2903_2904inv (p.Pro968Leu)

Gene: COL17A1 (collagen type XVII alpha 1 chain; minus strand). Cytogenetic location: 10q25.1.
Variant type: Inversion.
Coding change: c.2903_2904inv on transcript NM_000494.4 (MANE Select).
Protein change: p.Pro968Leu; replaces proline 968 with leucine.
Molecular consequence: missense variant.
Genome position: GRCh38 VCF-style: chr10-104039114-TG-CA. GRCh37 (hg19) VCF-style: chr10-105798872-TG-CA.
Other names: short protein forms P968L.
Identifiers: ClinVar variation 1902438 (VCV001902438.4), ClinGen allele CA2580081281.
Genomic context (GRCh38, chr10:104,039,114, plus strand): 5'-TCACTTTCAGTTCTTACCTTCAGAAGGACCACTAGGAATGCCAAGAGCCCCTGGAACACC[TG>CA]GATCACCTGGAATCCAAAATGAGAAGTTTGCCTCACCTCCTCCAGGAAGCCTTCCCTGGT-3'
Protein context (NP_000485.3, residues 958-978): PQGPKGDKGD[Pro968Leu]GVPGALGIPS